The following is an entry in ClinVar:

NM_015599.3(PGM3):c.181G>T (p.Val61Leu)

Gene: PGM3 (phosphoglucomutase 3; minus strand). Cytogenetic location: 6q14.1.
Variant type: single nucleotide variant.
Coding change: c.181G>T on transcript NM_015599.3 (MANE Select); coding-DNA position 181, G replaced by T.
Protein change: p.Val61Leu; replaces valine 61 with leucine.
Molecular consequence: missense variant. On other transcripts: non-coding transcript variant (1), intron variant (1).
Genome position (GRCh38, 1-based): chr6:83,190,832, C>A on the plus strand (G>T on the coding strand, the complement: PGM3 is on the minus strand). VCF-style: chr6-83190832-C-A. GRCh37 (hg19) VCF-style: chr6-83900551-C-A.
Other names: c.265G>T, p.Val89Leu (NM_001199917.2, NM_001367287.1); c.181G>T, p.Val61Leu (NM_001199919.2, NM_001367286.1); c.-39-2034G>T (NM_001199918.2); short protein forms V61L, V89L.
Identifiers: ClinVar variation 664798 (VCV000664798.6), dbSNP rs1583298383, ClinGen allele CA364853472.

ClinVar aggregate classification (germline): Uncertain significance (1 of 4 stars; one submission).

Conditions:
Immunodeficiency 23 (IMD23). Also called: IMMUNODEFICIENCY WITH HYPER IgE AND COGNITIVE IMPAIRMENT; IMMUNODEFICIENCY-VASCULITIS-MYOCLONUS SYNDROME. Identifiers: Orphanet 443811, MedGen C4014371, MONDO:0014353, OMIM 615816.

Submission:

Labcorp Genetics (formerly Invitae), Labcorp
Classification: Uncertain significance for Immunodeficiency 23. Last evaluated: 2018-11-30. Review status: criteria provided, single submitter. Criteria: Invitae Variant Classification Sherloc (09022015). Collection method: clinical testing. Allele origin: germline.
Comment: In summary, the available evidence is currently insufficient to determine the role of this variant in disease. Therefore, it has been classified as a Variant of Uncertain Significance. Algorithms developed to predict the effect of missense changes on protein structure and function are either unavailable or do not agree on the potential impact of this missense change (SIFT: "Tolerated"; PolyPhen-2: "Possibly Damaging"; Align-GVGD: "Class C0"). This variant has not been reported in the literature in individuals with PGM3-related conditions. This variant is not present in population databases (ExAC no frequency). This sequence change replaces valine with leucine at codon 89 of the PGM3 protein (p.Val89Leu). The valine residue is moderately conserved and there is a small physicochemical difference between valine and leucine.